The following is an entry in ClinVar:

ClinVar aggregate classification (germline): Uncertain significance (1 of 4 stars; one submission).

Conditions:
Glycogen storage disease due to muscle beta-enolase deficiency (GSD13). Also called: Glycogen Storage Disease Type XIII; ENOLASE 3 DEFICIENCY; ENOLASE-BETA DEFICIENCY; GSD XIII. Identifiers: Orphanet 99849, MedGen C2752027, MONDO:0013046, OMIM 612932.

Allele frequency attached by ClinVar (database versions not stated): ExAC 0.00001; gnomAD exomes 0.00001; gnomAD 0.00002; TOPMed 0.00003.

Submission:

Labcorp Genetics (formerly Invitae), Labcorp
Classification: Uncertain significance for Glycogen storage disease due to muscle beta-enolase deficiency. Last evaluated: 2022-04-11. Review status: criteria provided, single submitter. Criteria: Invitae Variant Classification Sherloc (09022015). Collection method: clinical testing. Allele origin: germline.
Comment: This sequence change affects the initiator methionine of the ENO3 mRNA. The next in-frame methionine is located at codon 3. This variant is present in population databases (rs754260840, gnomAD 0.02%). Disruption of the initiator codon has been observed in individual(s) with neurodevelopmental disorders (PMID: 33004838). Experimental studies and prediction algorithms are not available or were not evaluated, and the functional significance of this variant is currently unknown. In summary, the available evidence is currently insufficient to determine the role of this variant in disease. Therefore, it has been classified as a Variant of Uncertain Significance.

Literature cited by the submitters: PubMed 33004838.

NM_053013.4(ENO3):c.3G>A (p.Met1Ile)

Gene: ENO3 (enolase 3; plus strand). Cytogenetic location: 17p13.2.
Variant type: single nucleotide variant.
Coding change: c.3G>A on transcript NM_053013.4 (MANE Select); coding-DNA position 3, G replaced by A.
Protein change: p.Met1Ile; changes the start codon (methionine 1).
Molecular consequence: missense variant, initiator codon variant.
Genome position (GRCh38, 1-based): chr17:4,951,832, G>A. VCF-style: chr17-4951832-G-A. GRCh37 (hg19) VCF-style: chr17-4855127-G-A.
Other names: c.3G>A, p.Met1Ile (NM_001193503.2, NM_001374523.1, NM_001976.5); c.30G>A, p.Met10Ile (NM_001374524.1); short protein forms M10I, M1I.
Identifiers: ClinVar variation 2050829 (VCV002050829.2), dbSNP rs754260840, ClinGen allele CA8316061.